The following is an entry in ClinVar:

NM_152722.5(HEPACAM):c.401AGA[1] (p.Lys135del)

Gene: HEPACAM (hepatic and glial cell adhesion molecule; minus strand). Cytogenetic location: 11q24.2.
Variant type: Microsatellite.
Coding change: c.401AGA[1] on transcript NM_152722.5 (MANE Select); one copy of the 3-base unit AGA starting at c.401; the reference has two copies in a row; one copy, 3 bases deleted.
Protein change: p.Lys135del; deletes lysine 135.
Molecular consequence: inframe deletion. On other transcripts: inframe indel (1).
Genome position (GRCh38, 1-based): chr11:124,924,749-124,924,751, TCT deleted on the plus strand (AGA on the coding strand, the reverse complement: HEPACAM is on the minus strand); deleting any 3 consecutive bases within chr11:124,924,749-124,924,754 gives the same sequence; the position shown is the placement nearest the transcript's 3' end. VCF-style (leftmost placement, unchanged base first): chr11-124924748-GTCT-G. GRCh37 (hg19) VCF-style: chr11-124794644-GTCT-G.
Other names: c.401_403AGA[1], p.Lys135del (NM_001411043.1); short protein forms K135del.
Identifiers: ClinVar variation 2137280 (VCV002137280.4), dbSNP rs2497468638, ClinGen allele CA2580610934.
Genomic context (GRCh38, chr11:124,924,748, plus strand): 5'-ACCTGCCAGTCTTGCCTCTTTCCCTGCCAGAGCGCTTTACCATCTACAGTAAGGTTGATG[GTCT>G]TCTCCCCAGTGAAGGTGTCGTCGGTGATGGAGATCTCGACCTCATAGGTGCCCTCATCGG-3'

ClinVar aggregate classification (germline): Uncertain significance (1 of 4 stars; one submission).

Submission:

Labcorp Genetics (formerly Invitae), Labcorp
Classification: Uncertain significance. Last evaluated: 2022-08-07. Review status: criteria provided, single submitter. Criteria: Invitae Variant Classification Sherloc (09022015). Collection method: clinical testing. Allele origin: germline.
Comment: This variant, c.404_406del, results in the deletion of 1 amino acid(s) of the HEPACAM protein (p.Lys135del), but otherwise preserves the integrity of the reading frame. This variant is not present in population databases (gnomAD no frequency). This variant has been observed in individuals with clinical features of HEPACAM-related conditions (PMID: 21419380; Invitae). Algorithms developed to predict the effect of variants on protein structure and function are not available or were not evaluated for this variant. Experimental studies have shown that this variant does not substantially affect HEPACAM function (PMID: 25044933). In summary, the available evidence is currently insufficient to determine the role of this variant in disease. Therefore, it has been classified as a Variant of Uncertain Significance.

Literature cited by the submitters: PubMed 21419380; PubMed 25044933.